The following is an entry in ClinVar:

NM_031419.4(NFKBIZ):c.242C>T (p.Ala81Val)

Genes: NFKBIZ (NFKB inhibitor zeta; plus strand), LOC112841611 (Sharpr-MPRA regulatory region 7874; plus strand). Cytogenetic location: 3q12.3.
Variant type: single nucleotide variant.
Coding change: c.242C>T on transcript NM_031419.4 (MANE Select); coding-DNA position 242, C replaced by T.
Protein change: p.Ala81Val; replaces alanine 81 with valine.
Molecular consequence: missense variant. On other transcripts: intron variant (1).
Genome position (GRCh38, 1-based): chr3:101,849,870, C>T. VCF-style: chr3-101849870-C-T. GRCh37 (hg19) VCF-style: chr3-101568714-C-T.
Other names: c.-11-2215C>T (NM_001005474.3); short protein forms A81V.
Identifiers: ClinVar variation 3036671 (VCV003036671.2), dbSNP rs749241699, ClinGen allele CA2522748.

ClinVar aggregate classification (germline): Likely benign (0 of 4 stars; one submission).

Conditions:
NFKBIZ-related disorder. Also called: NFKBIZ-related condition.

Allele frequency attached by ClinVar (database versions not stated): 1000 Genomes Project 30x 0.00016; ExAC 0.00017; gnomAD 0.00099.
gnomAD v4.1: 219 of 1,456,302 alleles (0.015%); highest among the groups gnomAD compares: African/African-American, 0.3%; no homozygotes.

Submission:

PreventionGenetics, part of Exact Sciences
Classification: Likely benign for NFKBIZ-related condition. Last evaluated: 2020-06-05. Review status: no assertion criteria provided. Collection method: clinical testing. Allele origin: germline.
Comment: This variant is classified as likely benign based on ACMG/AMP sequence variant interpretation guidelines (Richards et al. 2015 PMID: 25741868, with internal and published modifications).